The following is an entry in ClinVar:

NM_018990.4(SASH3):c.442+99T>G

Gene: SASH3 (SAM and SH3 domain containing 3; plus strand). Cytogenetic location: Xq26.1.
Variant type: single nucleotide variant.
Coding change: c.442+99T>G on transcript NM_018990.4 (MANE Select); 99 bases into the intron after coding-DNA position 442, T replaced by G.
Molecular consequence: intron variant.
Genome position (GRCh38, 1-based): chrX:129,791,180, T>G. VCF-style: chrX-129791180-T-G. GRCh37 (hg19) VCF-style: chrX-128925156-T-G.
Identifiers: ClinVar variation 2688304 (VCV002688304.2), dbSNP rs5932684, ClinGen allele CA335084748.

ClinVar aggregate classification (germline): Benign (1 of 4 stars; one submission).

Allele frequency attached by ClinVar (database versions not stated): gnomAD 0.25624; 1000 Genomes Project 0.26649; 1000 Genomes Project 30x 0.27159.

Submission:

Unidad de Genómica Garrahan, Hospital de Pediatría Garrahan
Classification: Benign. Last evaluated: 2024-01-24. Review status: criteria provided, single submitter. Criteria: ACMG Guidelines, 2015. Collection method: clinical testing. Allele origin: germline. Affected: no. Observed: 24 variant alleles.
Comment: This variant is classified as Benign based on local population frequency. This variant was detected in 25% of patients studied by a panel of primary immunodeficiencies. Number of patients: 24. Only high quality variants are reported.